The following is an entry in ClinVar:

ClinVar aggregate classification (germline): Uncertain significance (1 of 4 stars; one submission).

Conditions:
Baraitser-Winter syndrome 1 (BRWS1). Also called: BARAITSER-WINTER SYNDROME 1, ATYPICAL; PACHYGYRIA, MENTAL RETARDATION, EPILEPSY, AND CHARACTERISTIC FACIES; MENTAL RETARDATION WITH EPILEPSY AND CHARACTERISTIC FACIES; Cerebrofrontofacial syndrome. Identifiers: Orphanet 2649, Orphanet 2995, MedGen C1855722, MONDO:0009470, OMIM 243310.

Submission:

Labcorp Genetics (formerly Invitae), Labcorp
Classification: Uncertain significance for Baraitser-Winter syndrome 1. Last evaluated: 2023-12-09. Review status: criteria provided, single submitter. Criteria: Invitae Variant Classification Sherloc (09022015). Collection method: clinical testing. Allele origin: germline.
Comment: This sequence change replaces histidine, which is basic and polar, with glutamine, which is neutral and polar, at codon 40 of the ACTB protein (p.His40Gln). This variant is not present in population databases (gnomAD no frequency). This variant has not been reported in the literature in individuals affected with ACTB-related conditions. Advanced modeling of protein sequence and biophysical properties (such as structural, functional, and spatial information, amino acid conservation, physicochemical variation, residue mobility, and thermodynamic stability) performed at Invitae indicates that this missense variant is not expected to disrupt ACTB protein function with a negative predictive value of 80%. In summary, the available evidence is currently insufficient to determine the role of this variant in disease. Therefore, it has been classified as a Variant of Uncertain Significance.

NM_001101.5(ACTB):c.120C>G (p.His40Gln)

Gene: ACTB (actin beta; minus strand). Cytogenetic location: 7p22.1.
Variant type: single nucleotide variant.
Coding change: c.120C>G on transcript NM_001101.5 (MANE Select); coding-DNA position 120, C replaced by G.
Protein change: p.His40Gln; replaces histidine 40 with glutamine.
Molecular consequence: missense variant.
Genome position (GRCh38, 1-based): chr7:5,529,538, G>C on the plus strand (C>G on the coding strand, the complement: ACTB is on the minus strand). VCF-style: chr7-5529538-G-C. GRCh37 (hg19) VCF-style: chr7-5569169-G-C.
Other names: short protein forms H40Q.
Identifiers: ClinVar variation 2701640 (VCV002701640.3), dbSNP rs2533851287, ClinGen allele CA366706552.